The following is an entry in ClinVar:

ClinVar aggregate classification (germline): Benign/Likely benign. Review status: criteria provided, multiple submitters, no conflicts (2 of 4 stars). 23 submissions from 16 submitters: Benign (15); Likely benign (5). 3 of the submissions do not count toward it. Last evaluated 2026-02-03.

Conditions:
Cardiovascular phenotype. Identifiers: MedGen CN230736.
Dilated cardiomyopathy 1G (CMD1G). Identifiers: Orphanet 154, MedGen C1858763, MONDO:0011400, OMIM 604145.
Autosomal recessive limb-girdle muscular dystrophy type 2J (LGMDR10). Also called: Limb-girdle muscular dystrophy, type 2J; MUSCULAR DYSTROPHY, LIMB-GIRDLE, AUTOSOMAL RECESSIVE 10. Identifiers: Orphanet 140922, MedGen C1837342, MONDO:0012127, OMIM 608807.
Cardiomyopathy (CMYO). Also called: Cardiomyopathies. Identifiers: Orphanet 167848, MedGen C0878544, MONDO:0004994, HP:0001638. Inheritance: Various modes of inheritance.
Early-onset myopathy with fatal cardiomyopathy (CMYO5). Also called: Salih Myopathy; CONGENITAL MYOPATHY 5 WITH CARDIOMYOPATHY. Identifiers: Orphanet 289377, MedGen C2673677, MONDO:0012714, OMIM 611705. Disease mechanism: loss of function.
Tibial muscular dystrophy (TMD). Also called: UDD MYOPATHY; Tibial muscular dystrophy, tardive; Udd Distal Myopathy – Tibial Muscular Dystrophy. Identifiers: Orphanet 609, MedGen C1838244, MONDO:0010870, OMIM 600334.
Myopathy, myofibrillar, 9, with early respiratory failure (MFM9). Also called: Hereditary myopathy with early respiratory failure; MYOPATHY, PROXIMAL, WITH EARLY RESPIRATORY MUSCLE INVOLVEMENT; Myopathy, distal, with early respiratory failure, autosomal dominant; EDSTROM MYOPATHY. Identifiers: Orphanet 178464, Orphanet 34521, MedGen C1863599, MONDO:0011362, OMIM 603689.

Allele frequency attached by ClinVar (database versions not stated): gnomAD 0.00035 and 0.00067; 1000 Genomes Project 0.00280; ESP Exome Variant Server 0.00008; 1000 Genomes Project 30x 0.00234; gnomAD exomes 0.00137 and 0.00091; TOPMed 0.00074; ExAC 0.00144.
gnomAD v4.1: 1,419 of 1,612,888 alleles (0.088%); highest among the groups gnomAD compares: East Asian, 2.8%; 21 homozygotes.

Submissions (23):

Labcorp Genetics (formerly Invitae), Labcorp
Classification: Benign for Dilated cardiomyopathy 1G; Autosomal recessive limb-girdle muscular dystrophy type 2J. Last evaluated: 2026-02-03. Review status: criteria provided, single submitter. Criteria: Invitae Variant Classification Sherloc (09022015). Collection method: clinical testing. Allele origin: germline.

Mayo Clinic Laboratories, Mayo Clinic
Classification: Benign. Last evaluated: 2025-02-04. Review status: criteria provided, single submitter. Criteria: ACMG Guidelines, 2015. Collection method: clinical testing. Allele origin: germline. Observed: 5 variant alleles.
Comment: BS1, BS2, BP4_moderate

Blueprint Genetics
Classification: Likely benign. Last evaluated: 2024-08-29. Review status: criteria provided, single submitter. Criteria: ACMG Guidelines, 2015. Collection method: clinical testing. Allele origin: germline.

Genome-Nilou Lab
Classification: Benign for Autosomal recessive limb-girdle muscular dystrophy type 2J. Last evaluated: 2021-09-10. Review status: criteria provided, single submitter. Criteria: ACMG Guidelines, 2015. Collection method: clinical testing. Allele origin: germline. Affected: no.

Genome-Nilou Lab
Classification: Benign for Myopathy, myofibrillar, 9, with early respiratory failure. Last evaluated: 2021-09-10. Review status: criteria provided, single submitter. Criteria: ACMG Guidelines, 2015. Collection method: clinical testing. Allele origin: germline. Affected: no.

Genome-Nilou Lab
Classification: Benign for Early-onset myopathy with fatal cardiomyopathy. Last evaluated: 2021-09-10. Review status: criteria provided, single submitter. Criteria: ACMG Guidelines, 2015. Collection method: clinical testing. Allele origin: germline. Affected: no.

Genome-Nilou Lab
Classification: Benign for Tibial muscular dystrophy. Last evaluated: 2021-09-10. Review status: criteria provided, single submitter. Criteria: ACMG Guidelines, 2015. Collection method: clinical testing. Allele origin: germline. Affected: no.

Women's Health and Genetics/Laboratory Corporation of America, LabCorp
Classification: Likely benign. Last evaluated: 2021-04-09. Review status: criteria provided, single submitter. Criteria: LabCorp Variant Classification Summary - May 2015. Collection method: clinical testing. Allele origin: germline.

Center for Advanced Laboratory Medicine, UC San Diego Health, University of California San Diego
Classification: Benign for Cardiomyopathy. Last evaluated: 2019-01-31. Review status: criteria provided, single submitter. Criteria: ACMG Guidelines, 2015. Collection method: clinical testing. Allele origin: germline. Affected: yes. Observed: 2 variant alleles.

CHEO Genetics Diagnostic Laboratory, Children's Hospital of Eastern Ontario
Classification: Benign for Cardiomyopathy. Last evaluated: 2018-03-20. Review status: criteria provided, single submitter. Criteria: ACMG Guidelines, 2015. Collection method: clinical testing. Allele origin: germline.

Illumina Laboratory Services, Illumina
Classification: Benign for Tibial muscular dystrophy. Last evaluated: 2018-01-13. Review status: criteria provided, single submitter. Criteria: ICSL Variant Classification Criteria 13 December 2019. Collection method: clinical testing. Allele origin: germline.
Comment: This variant was observed in the ICSL laboratory as part of a predisposition screen in an ostensibly healthy population. It had not been previously curated by ICSL or reported in the Human Gene Mutation Database (HGMD: prior to June 1st, 2018), and was therefore a candidate for classification through an automated scoring system. Utilizing variant allele frequency, disease prevalence and penetrance estimates, and inheritance mode, an automated score was calculated to assess if this variant is too frequent to cause the disease. Based on the score and internal cut-off values, a variant classified as benign is not then subjected to further curation. The score for this variant resulted in a classification of benign for this disease.

Illumina Laboratory Services, Illumina
Classification: Likely benign for Dilated cardiomyopathy 1G. Last evaluated: 2018-01-13. Review status: criteria provided, single submitter. Criteria: ICSL Variant Classification Criteria 13 December 2019. Collection method: clinical testing. Allele origin: germline.
Comment: This variant was observed in the ICSL laboratory as part of a predisposition screen in an ostensibly healthy population. It had not been previously curated by ICSL or reported in the Human Gene Mutation Database (HGMD: prior to June 1st, 2018), and was therefore a candidate for classification through an automated scoring system. Utilizing variant allele frequency, disease prevalence and penetrance estimates, and inheritance mode, an automated score was calculated to assess if this variant is too frequent to cause the disease. Based on the score and internal cut-off values, a variant classified as likely benign is not then subjected to further curation. The score for this variant resulted in a classification of likely benign for this disease.

Illumina Laboratory Services, Illumina
Classification: Benign for Myopathy, myofibrillar, 9, with early respiratory failure. Last evaluated: 2018-01-13. Review status: criteria provided, single submitter. Criteria: ICSL Variant Classification Criteria 13 December 2019. Collection method: clinical testing. Allele origin: germline.
Comment: the same text as in the submission from Illumina Laboratory Services, Illumina above.

Illumina Laboratory Services, Illumina
Classification: Likely benign for Early-onset myopathy with fatal cardiomyopathy. Last evaluated: 2018-01-13. Review status: criteria provided, single submitter. Criteria: ICSL Variant Classification Criteria 13 December 2019. Collection method: clinical testing. Allele origin: germline.
Comment: the same text as in the submission from Illumina Laboratory Services, Illumina above.

Illumina Laboratory Services, Illumina
Classification: Likely benign for Autosomal recessive limb-girdle muscular dystrophy type 2J. Last evaluated: 2018-01-13. Review status: criteria provided, single submitter. Criteria: ICSL Variant Classification Criteria 13 December 2019. Collection method: clinical testing. Allele origin: germline.
Comment: the same text as in the submission from Illumina Laboratory Services, Illumina above.

Athena Diagnostics
Classification: Benign. Last evaluated: 2017-03-03. Review status: criteria provided, single submitter. Criteria: Athena Diagnostics Criteria. Collection method: clinical testing. Allele origin: germline.

GeneDx
Classification: Benign. Last evaluated: 2015-03-03. Review status: criteria provided, single submitter. Criteria: GeneDx Variant Classification Process June 2021. Collection method: clinical testing. Allele origin: germline. Affected: yes.

Laboratory for Molecular Medicine, Mass General Brigham Personalized Medicine
Classification: Benign. Last evaluated: 2013-10-21. Review status: criteria provided, single submitter. Criteria: LMM Criteria. Collection method: clinical testing. Allele origin: germline. Observed: 4 variant alleles.
Comment: Arg21068His in exon 275 of TTN: This variant is not expected to have clinical si gnificance because it has been identified in 5.1% (9/178) of Japanese chromosome s by the 1000 Genomes Project (dbSNP rs56071233).

Eurofins Ntd Llc (ga)
Classification: Benign. Last evaluated: 2013-09-30. Review status: criteria provided, single submitter. Criteria: EGL Classification Definitions 2015. Collection method: clinical testing. Allele origin: germline. Observed: 1 variant allele, 1 heterozygote.

Ambry Genetics
Classification: Benign for Cardiovascular phenotype. Last evaluated: 2013-09-24. Review status: criteria provided, single submitter. Criteria: Ambry Autosomal Dominant and X-Linked criteria (10/2015). Collection method: clinical testing. Allele origin: germline. Observed: 1 variant allele.

Clinical Genetics, Academic Medical Center
Classification: Benign. Review status: no assertion criteria provided. Collection method: clinical testing. Allele origin: germline. Affected: yes. Study: VKGL Data-share Consensus. Not counted in ClinVar's aggregate classification.

Genome Diagnostics Laboratory, University Medical Center Utrecht
Classification: Likely benign. Review status: no assertion criteria provided. Collection method: clinical testing. Allele origin: germline. Affected: yes. Study: VKGL Data-share Consensus. Not counted in ClinVar's aggregate classification.

Laboratory of Diagnostic Genome Analysis, Leiden University Medical Center (LUMC)
Classification: Likely benign. Review status: no assertion criteria provided. Collection method: clinical testing. Allele origin: germline. Affected: yes. Study: VKGL Data-share Consensus. Not counted in ClinVar's aggregate classification.

NM_001267550.2(TTN):c.70907G>A (p.Arg23636His)

Genes: TTN (titin; minus strand), TTN-AS1 (TTN antisense RNA 1; plus strand). Cytogenetic location: 2q31.2.
Variant type: single nucleotide variant.
Coding change: c.70907G>A on transcript NM_001267550.2 (MANE Select); coding-DNA position 70907, G replaced by A.
Protein change: p.Arg23636His; replaces arginine 23636 with histidine.
Molecular consequence: missense variant.
Genome position (GRCh38, 1-based): chr2:178,575,225, C>T on the plus strand (G>A on the coding strand, the complement: TTN is on the minus strand). VCF-style: chr2-178575225-C-T. GRCh37 (hg19) VCF-style: chr2-179439952-C-T.
Other names: c.65984G>A, p.Arg21995His (NM_001256850.1); c.43712G>A, p.Arg14571His (NM_003319.4); c.63203G>A, p.Arg21068His (NM_133378.4); c.44087G>A, p.Arg14696His (NM_133432.3); c.44288G>A, p.Arg14763His (NM_133437.4); short protein forms R21068H, R23636H, R14763H, R14696H, R21995H, R14571H.
Identifiers: ClinVar variation 96301 (VCV000096301.34), dbSNP rs56071233, ClinGen allele CA149430.